The following is an entry in ClinVar:

ClinVar aggregate classification (germline): Likely benign (1 of 4 stars; one submission).

Submission:

GeneDx
Classification: Likely benign. Last evaluated: 2018-06-19. Review status: criteria provided, single submitter. Criteria: GeneDx Variant Classification (06012015). Collection method: clinical testing. Allele origin: germline. Affected: yes.
Comment: This variant is considered likely benign or benign based on one or more of the following criteria: it is a conservative change, it occurs at a poorly conserved position in the protein, it is predicted to be benign by multiple in silico algorithms, and/or has population frequency not consistent with disease.

NM_001130823.3(DNMT1):c.2894+136_2894+137del

Gene: DNMT1 (DNA methyltransferase 1; minus strand). Cytogenetic location: 19p13.2.
Variant type: Deletion.
Coding change: c.2894+136_2894+137del on transcript NM_001130823.3 (MANE Select); bases 136 to 137 of the intron after coding-DNA position 2894, 2 bases deleted (TG; older notation c.2894+136_2894+137delTG).
Molecular consequence: intron variant.
Genome position (GRCh38, 1-based): chr19:10,146,214-10,146,215, CA deleted on the plus strand (TG on the coding strand, the reverse complement: DNMT1 is on the minus strand); deleting any 2 consecutive bases within chr19:10,146,214-10,146,216 gives the same sequence; the c. name uses the placement nearest the transcript's 3' end. VCF-style (leftmost placement, unchanged base first): chr19-10146213-CCA-C. GRCh37 (hg19) VCF-style: chr19-10256889-CCA-C.
Other names: c.2531+136_2531+137del (NM_001318731.2); c.2846+136_2846+137del (NM_001379.4, NM_001318730.2).
Identifiers: ClinVar variation 676405 (VCV000676405.1), dbSNP rs553864921, ClinGen allele CA305225618.